The following is an entry in ClinVar:

ClinVar aggregate classification (germline): Uncertain significance (1 of 4 stars; one submission).

Submission:

Labcorp Genetics (formerly Invitae), Labcorp
Classification: Uncertain significance. Last evaluated: 2022-09-13. Review status: criteria provided, single submitter. Criteria: Invitae Variant Classification Sherloc (09022015). Collection method: clinical testing. Allele origin: germline.
Comment: This variant has not been reported in the literature in individuals affected with IL18BP-related conditions. In summary, the available evidence is currently insufficient to determine the role of this variant in disease. Therefore, it has been classified as a Variant of Uncertain Significance. This variant is not present in population databases (gnomAD no frequency). This sequence change falls in intron 3 of the IL18BP gene. It does not directly change the encoded amino acid sequence of the IL18BP protein.

NM_001039660.2(IL18BP):c.360-18C>G

Gene: IL18BP (interleukin 18 binding protein; plus strand). Cytogenetic location: 11q13.4.
Variant type: single nucleotide variant.
Coding change: c.360-18C>G on transcript NM_001039660.2 (MANE Select); 18 bases into the intron before coding-DNA position 360, C replaced by G.
Molecular consequence: intron variant.
Genome position (GRCh38, 1-based): chr11:72,001,387, C>G. VCF-style: chr11-72001387-C-G. GRCh37 (hg19) VCF-style: chr11-71712433-C-G.
Other names: c.360-18C>G (NM_001039659.2, NM_173044.3, NM_005699.3 and 2 more transcripts); c.236-397C>G (NM_001145055.1).
Identifiers: ClinVar variation 2041818 (VCV002041818.4), dbSNP rs2495857946, ClinGen allele CA2574911022.